The following is an entry in ClinVar:

NM_005431.2(XRCC2):c.337G>C (p.Gly113Arg)

Gene: XRCC2 (X-ray repair cross complementing 2; minus strand). Cytogenetic location: 7q36.1.
Variant type: single nucleotide variant.
Coding change: c.337G>C on transcript NM_005431.2 (MANE Select); coding-DNA position 337, G replaced by C.
Protein change: p.Gly113Arg; replaces glycine 113 with arginine.
Molecular consequence: missense variant.
Genome position (GRCh38, 1-based): chr7:152,649,148, C>G on the plus strand (G>C on the coding strand, the complement: XRCC2 is on the minus strand). VCF-style: chr7-152649148-C-G. GRCh37 (hg19) VCF-style: chr7-152346233-C-G.
Other names: c.337G>C (NM_005431.1); short protein forms G113R.
Identifiers: ClinVar variation 3667902 (VCV003667902.3).

ClinVar aggregate classification (germline): Uncertain significance. Review status: criteria provided, multiple submitters, no conflicts (2 of 4 stars). 2 submissions from 2 submitters: Uncertain significance (2). Last evaluated 2025-07-12.

Conditions:
Hereditary cancer-predisposing syndrome. Also called: Hereditary Cancer Syndrome; Hereditary neoplastic syndrome; Neoplastic Syndromes, Hereditary; Tumor predisposition. Identifiers: Orphanet 140162, MedGen C0027672, MeSH D009386, MONDO:0015356.

Submissions (2):

Ambry Genetics
Classification: Uncertain significance for Hereditary cancer-predisposing syndrome. Last evaluated: 2025-07-12. Review status: criteria provided, single submitter. Criteria: Ambry Variant Classification Scheme 2023. Collection method: clinical testing. Allele origin: germline.
Comment: The p.G113R variant (also known as c.337G>C), located in coding exon 3 of the XRCC2 gene, results from a G to C substitution at nucleotide position 337. The glycine at codon 113 is replaced by arginine, an amino acid with dissimilar properties. This amino acid position is conserved. In addition, this alteration is predicted to be tolerated by in silico analysis. Based on the available evidence, the clinical significance of this variant remains unclear.

Labcorp Genetics (formerly Invitae), Labcorp
Classification: Uncertain significance. Last evaluated: 2024-10-29. Review status: criteria provided, single submitter. Criteria: Invitae Variant Classification Sherloc (09022015). Collection method: clinical testing. Allele origin: germline.
Comment: This sequence change replaces glycine, which is neutral and non-polar, with arginine, which is basic and polar, at codon 113 of the XRCC2 protein (p.Gly113Arg). This variant is not present in population databases (gnomAD no frequency). This variant has not been reported in the literature in individuals affected with XRCC2-related conditions. Invitae Evidence Modeling of protein sequence and biophysical properties (such as structural, functional, and spatial information, amino acid conservation, physicochemical variation, residue mobility, and thermodynamic stability) indicates that this missense variant is not expected to disrupt XRCC2 protein function with a negative predictive value of 80%. In summary, the available evidence is currently insufficient to determine the role of this variant in disease. Therefore, it has been classified as a Variant of Uncertain Significance.